The following is an entry in ClinVar:

ClinVar aggregate classification (germline): Benign/Likely benign. Review status: criteria provided, multiple submitters, no conflicts (2 of 4 stars). 2 submissions from 2 submitters: Benign (1); Likely benign (1). Last evaluated 2025-11-17.

Conditions:
KMT2D-related disorder. Also called: KMT2D-Related Disorders.
Kabuki syndrome. Also called: Kabuki make-up syndrome; NIIKAWA-KUROKI SYNDROME. Identifiers: Orphanet 2322, MedGen C0796004, MONDO:0016512.

Allele frequency attached by ClinVar (database versions not stated): ExAC 0.00003; gnomAD 0.00003 and 0.00004; gnomAD exomes 0.00003 and 0.00007; TOPMed 0.00007.

Submissions (2):

Labcorp Genetics (formerly Invitae), Labcorp
Classification: Benign for Kabuki syndrome. Last evaluated: 2025-11-17. Review status: criteria provided, single submitter. Criteria: Invitae Variant Classification Sherloc (09022015). Collection method: clinical testing. Allele origin: germline.

PreventionGenetics, part of Exact Sciences
Classification: Likely benign for KMT2D-related condition. Last evaluated: 2025-05-22. Review status: criteria provided, single submitter. Criteria: ACMG Guidelines, 2015. Collection method: clinical testing. Allele origin: germline.
Comment: This variant is classified as likely benign based on ACMG/AMP sequence variant interpretation guidelines (Richards et al. 2015 PMID: 25741868, with internal and published modifications).

NM_003482.4(KMT2D):c.3049A>G (p.Met1017Val)

Gene: KMT2D (lysine methyltransferase 2D; minus strand). Cytogenetic location: 12q13.12.
Variant type: single nucleotide variant.
Coding change: c.3049A>G on transcript NM_003482.4 (MANE Select); coding-DNA position 3049, A replaced by G.
Protein change: p.Met1017Val; replaces methionine 1017 with valine.
Molecular consequence: missense variant.
Genome position (GRCh38, 1-based): chr12:49,050,539, T>C on the plus strand (A>G on the coding strand, the complement: KMT2D is on the minus strand). VCF-style: chr12-49050539-T-C. GRCh37 (hg19) VCF-style: chr12-49444322-T-C.
Other names: c.3049A>G (NM_003482.3); short protein forms M1017V.
Identifiers: ClinVar variation 1387102 (VCV001387102.7), dbSNP rs749689227, ClinGen allele CA6548127.